The following is an entry in ClinVar:

NM_000123.4(ERCC5):c.2071G>A (p.Gly691Arg)

Genes: BIVM-ERCC5 (BIVM-ERCC5 readthrough; plus strand), ERCC5 (ERCC excision repair 5, endonuclease; plus strand), LOC126861834 (BRD4-independent group 4 enhancer GRCh37_chr13:103518038-103519237; plus strand). Cytogenetic location: 13q33.1.
Variant type: single nucleotide variant.
Coding change: c.2071G>A on transcript NM_000123.4 (MANE Select); coding-DNA position 2071, G replaced by A.
Protein change: p.Gly691Arg; replaces glycine 691 with arginine.
Molecular consequence: missense variant.
Genome position (GRCh38, 1-based): chr13:102,865,783, G>A. VCF-style: chr13-102865783-G-A. GRCh37 (hg19) VCF-style: chr13-103518133-G-A.
Other names: c.3433G>A, p.Gly1145Arg (NM_001204425.2); short protein forms G691R, G1145R.
Identifiers: ClinVar variation 134196 (VCV000134196.4), dbSNP rs145295467, ClinGen allele CA159085.

ClinVar aggregate classification (germline): Uncertain significance. Review status: criteria provided, single submitter (1 of 4 stars). 2 submissions from 2 submitters: Uncertain significance (1). 1 of the submissions does not count toward it. Last evaluated 2023-12-12.

Allele frequency attached by ClinVar (database versions not stated): gnomAD exomes below 0.00001; ExAC 0.00001; TOPMed 0.00004; gnomAD 0.00005 and 0.00006; ESP Exome Variant Server 0.00015.

Submissions (2):

Labcorp Genetics (formerly Invitae), Labcorp
Classification: Uncertain significance. Last evaluated: 2023-12-12. Review status: criteria provided, single submitter. Criteria: Invitae Variant Classification Sherloc (09022015). Collection method: clinical testing. Allele origin: germline.
Comment: This sequence change replaces glycine, which is neutral and non-polar, with arginine, which is basic and polar, at codon 691 of the ERCC5 protein (p.Gly691Arg). This variant is present in population databases (rs145295467, gnomAD 0.007%). This variant has not been reported in the literature in individuals affected with ERCC5-related conditions. ClinVar contains an entry for this variant (Variation ID: 134196). An algorithm developed to predict the effect of missense changes on protein structure and function (PolyPhen-2) suggests that this variant is likely to be tolerated. In summary, the available evidence is currently insufficient to determine the role of this variant in disease. Therefore, it has been classified as a Variant of Uncertain Significance.

ITMI
No classification provided. Condition: AllHighlyPenetrant. Last evaluated: 2013-09-19. Review status: no classification provided. Collection method: reference population. Allele origin: germline. Not counted in ClinVar's aggregate classification.
Comment: Please see associated publication for description of ethnicities

Literature cited by the submitters: PubMed 24728327 (cited by ITMI).